The following is an entry in ClinVar:

NM_183075.3(CYP2U1):c.488A>G (p.Lys163Arg)

Genes: CYP2U1 (cytochrome P450 family 2 subfamily U member 1; plus strand), LOC129992929 (ATAC-STARR-seq lymphoblastoid active region 21791; plus strand). Cytogenetic location: 4q25.
Variant type: single nucleotide variant.
Coding change: c.488A>G on transcript NM_183075.3 (MANE Select); coding-DNA position 488, A replaced by G.
Protein change: p.Lys163Arg; replaces lysine 163 with arginine.
Molecular consequence: missense variant.
Genome position (GRCh38, 1-based): chr4:107,932,131, A>G. VCF-style: chr4-107932131-A-G. GRCh37 (hg19) VCF-style: chr4-108853287-A-G.
Other names: short protein forms K163R.
Identifiers: ClinVar variation 2044228 (VCV002044228.4), dbSNP rs1382348931, ClinGen allele CA357833480.
Genomic context (GRCh38, chr4:107,932,131, plus strand): 5'-AGGCCGAGGTCTTCAGCGACCGCCCGCGGGTGCCGCTCATCTCCATCGTGACCAAGGAGA[A>G]GGGTGAGCGGGAGGTCGTGGGCTGTGGGTACGCGGATGCCGCGGATGAGTCTCCAGGTGC-3'
Protein context (NP_898898.1, residues 153-173): VPLISIVTKE[Lys163Arg]GVVFAHYGPV

ClinVar aggregate classification (germline): Uncertain significance (1 of 4 stars; one submission).

Conditions:
Spastic paraplegia. Identifiers: MedGen C0037772, HP:0001258.

Submission:

Labcorp Genetics (formerly Invitae), Labcorp
Classification: Uncertain significance for Spastic paraplegia. Last evaluated: 2022-07-02. Review status: criteria provided, single submitter. Criteria: Invitae Variant Classification Sherloc (09022015). Collection method: clinical testing. Allele origin: germline.
Comment: This sequence change replaces lysine, which is basic and polar, with arginine, which is basic and polar, at codon 163 of the CYP2U1 protein (p.Lys163Arg). This variant is not present in population databases (gnomAD no frequency). In summary, the available evidence is currently insufficient to determine the role of this variant in disease. Therefore, it has been classified as a Variant of Uncertain Significance. Algorithms developed to predict the effect of missense changes on protein structure and function are either unavailable or do not agree on the potential impact of this missense change (SIFT: "Tolerated"; PolyPhen-2: "Probably Damaging"; Align-GVGD: "Class C0"). This variant has not been reported in the literature in individuals affected with CYP2U1-related conditions.